The following is an entry in ClinVar:

NM_000235.4(LIPA):c.805G>T (p.Glu269Ter)

Gene: LIPA (lipase A, lysosomal acid type; minus strand). Cytogenetic location: 10q23.31.
Variant type: single nucleotide variant.
Coding change: c.805G>T on transcript NM_000235.4 (MANE Select); coding-DNA position 805, G replaced by T.
Protein change: p.Glu269Ter; replaces glutamic acid 269 with a stop codon.
Molecular consequence: nonsense.
Genome position (GRCh38, 1-based): chr10:89,223,701, C>A on the plus strand (G>T on the coding strand, the complement: LIPA is on the minus strand). VCF-style: chr10-89223701-C-A. GRCh37 (hg19) VCF-style: chr10-90983458-C-A.
Other names: c.805G>T, p.Glu269Ter (NM_001127605.3); c.457G>T, p.Glu153Ter (NM_001288979.2); short protein forms E153*, E269*.
Identifiers: ClinVar variation 983951 (VCV000983951.4), dbSNP rs1842729716, ClinGen allele CA377516850.

ClinVar aggregate classification (germline): Likely pathogenic (1 of 4 stars; one submission).

Conditions:
Lysosomal acid lipase deficiency. Also called: Acid cholesteryl ester hydrolase deficiency, type 2. Identifiers: Orphanet 275761, MedGen C5574740, MONDO:0800449, MONDO:0010204.

Submission:

Myriad Genetics, Inc.
Classification: Likely pathogenic for Cholesteryl ester storage disease. Last evaluated: 2019-03-30. Review status: criteria provided, single submitter. Criteria: Myriad Women's Health Autosomal Recessive and X-Linked Classification Criteria (2019). Collection method: clinical testing. Allele origin: unknown.
Comment: NM_000235.2(LIPA):c.805G>T(E269*) is expected to be pathogenic in the context of lysosomal acid lipase deficiency. This variant is predicted to lead to an abnormal or absent protein product due to the creation of a premature termination codon in LIPA, a gene where loss-of-function variants are known to be pathogenic. Please note: this variant was assessed in the context of healthy population screening.